The following is an entry in ClinVar:

ClinVar aggregate classification (germline): Uncertain significance (1 of 4 stars; one submission).

Conditions:
Inborn genetic diseases. Identifiers: MedGen C0950123, MeSH D030342.

Submission:

Ambry Genetics
Classification: Uncertain significance for Inborn genetic diseases. Last evaluated: 2023-06-09. Review status: criteria provided, single submitter. Criteria: Ambry Variant Classification Scheme 2023. Collection method: clinical testing. Allele origin: germline.
Comment: The p.T477R variant (also known as c.1430C>G), located in coding exon 11 of the BUB1B gene, results from a C to G substitution at nucleotide position 1430. The threonine at codon 477 is replaced by arginine, an amino acid with similar properties. This amino acid position is conserved. In addition, this alteration is predicted to be tolerated by in silico analysis. Since supporting evidence is limited at this time, the clinical significance of this alteration remains unclear.

NM_001211.6(BUB1B):c.1430C>G (p.Thr477Arg)

Gene: BUB1B (BUB1 mitotic checkpoint serine/threonine kinase B; plus strand). Cytogenetic location: 15q15.1.
Variant type: single nucleotide variant.
Coding change: c.1430C>G on transcript NM_001211.6 (MANE Select); coding-DNA position 1430, C replaced by G.
Protein change: p.Thr477Arg; replaces threonine 477 with arginine.
Molecular consequence: missense variant.
Genome position (GRCh38, 1-based): chr15:40,200,272, C>G. VCF-style: chr15-40200272-C-G. GRCh37 (hg19) VCF-style: chr15-40492473-C-G.
Other names: short protein forms T477R.
Identifiers: ClinVar variation 2565478 (VCV002565478.2), dbSNP rs1426185645, ClinGen allele CA391689742.
Genomic context (GRCh38, chr15:40,200,272, plus strand): 5'-GGACATTGATTTTGTTTATTTAATGCAAACAGCAAGAAGAGACGATGCCTACAAAGGAGA[C>G]AACTAAACTGCAAATTGCTTCCGAGTCTCAGAAAATACCAGGAATGACTCTATCCAGTTC-3'
Protein context (NP_001202.5, residues 467-487): QQEETMPTKE[Thr477Arg]TKLQIASESQ